The following is an entry in ClinVar:

ClinVar aggregate classification (germline): Likely benign. Review status: criteria provided, multiple submitters, no conflicts (2 of 4 stars). 2 submissions from 2 submitters: Likely benign (2). Last evaluated 2025-05-13.

gnomAD v4.1: 9 of 1,609,616 alleles (0.00056%); highest among the groups gnomAD compares: Non-Finnish European, 0.00068%; no homozygotes.

Submissions (2):

Labcorp Genetics (formerly Invitae), Labcorp
Classification: Likely benign. Last evaluated: 2025-05-13. Review status: criteria provided, single submitter. Criteria: Invitae Variant Classification Sherloc (09022015). Collection method: clinical testing. Allele origin: germline.

Mayo Clinic Laboratories, Mayo Clinic
Classification: Likely benign. Last evaluated: 2025-02-17. Review status: criteria provided, single submitter. Criteria: ACMG Guidelines, 2015. Collection method: clinical testing. Allele origin: germline. Observed: 1 variant allele.
Comment: BP4, BP7

NM_152305.3(POGLUT1):c.33C>G (p.Leu11=)

Gene: POGLUT1 (protein O-glucosyltransferase 1; plus strand). Cytogenetic location: 3q13.33.
Variant type: single nucleotide variant.
Coding change: c.33C>G on transcript NM_152305.3 (MANE Select); coding-DNA position 33, C replaced by G.
Protein change: p.Leu11=; no amino-acid change (leucine 11 retained).
Molecular consequence: synonymous variant. On other transcripts: non-coding transcript variant (1).
Genome position (GRCh38, 1-based): chr3:119,469,054, C>G. VCF-style: chr3-119469054-C-G. GRCh37 (hg19) VCF-style: chr3-119187901-C-G.
Other names: p.Leu11=.
Identifiers: ClinVar variation 3693071 (VCV003693071.3).